The following is an entry in ClinVar:

NM_000051.4(ATM):c.4422C>G (p.His1474Gln)

Gene: ATM (ATM serine/threonine kinase; plus strand). Cytogenetic location: 11q22.3.
Variant type: single nucleotide variant.
Coding change: c.4422C>G on transcript NM_000051.4 (MANE Select); coding-DNA position 4422, C replaced by G.
Protein change: p.His1474Gln; replaces histidine 1474 with glutamine.
Molecular consequence: missense variant.
Genome position (GRCh38, 1-based): chr11:108,289,787, C>G. VCF-style: chr11-108289787-C-G. GRCh37 (hg19) VCF-style: chr11-108160514-C-G.
Other names: c.4422C>G, p.His1474Gln (NM_001351834.2); short protein forms H1474Q.
Identifiers: ClinVar variation 2175460 (VCV002175460.4), dbSNP rs1555097849, ClinGen allele CA382532265.

ClinVar aggregate classification (germline): Uncertain significance (1 of 4 stars; one submission).

Conditions:
Ataxia-telangiectasia syndrome (AT). Also called: ATAXIA-TELANGIECTASIA, COMPLEMENTATION GROUP A; ATAXIA-TELANGIECTASIA, FRESNO VARIANT; Ataxia-telangiectasia; LOUIS-BAR SYNDROME; Cerebello-oculocutaneous telangiectasia; Immunodeficiency with ataxia telangiectasia. Identifiers: Orphanet 100, MedGen C0004135, MONDO:0008840, OMIM 208900.

Submission:

Labcorp Genetics (formerly Invitae), Labcorp
Classification: Uncertain significance for Ataxia-telangiectasia syndrome. Last evaluated: 2025-01-11. Review status: criteria provided, single submitter. Criteria: Invitae Variant Classification Sherloc (09022015). Collection method: clinical testing. Allele origin: germline.
Comment: This sequence change replaces histidine, which is basic and polar, with glutamine, which is neutral and polar, at codon 1474 of the ATM protein (p.His1474Gln). This variant is not present in population databases (gnomAD no frequency). This variant has not been reported in the literature in individuals affected with ATM-related conditions. ClinVar contains an entry for this variant (Variation ID: 2175460). Invitae Evidence Modeling of protein sequence and biophysical properties (such as structural, functional, and spatial information, amino acid conservation, physicochemical variation, residue mobility, and thermodynamic stability) indicates that this missense variant is not expected to disrupt ATM protein function with a negative predictive value of 95%. In summary, the available evidence is currently insufficient to determine the role of this variant in disease. Therefore, it has been classified as a Variant of Uncertain Significance.